The following is an entry in ClinVar:

ClinVar aggregate classification (germline): Likely benign (1 of 4 stars; one submission).

Conditions:
KCTD3-related disorder. Also called: KCTD3-related condition.

gnomAD v4.1: 43 of 1,609,388 alleles (0.0027%); highest among the groups gnomAD compares: Non-Finnish European, 0.0034%; no homozygotes.

Submission:

PreventionGenetics, part of Exact Sciences
Classification: Likely benign for KCTD3-related condition. Last evaluated: 2025-04-29. Review status: criteria provided, single submitter. Criteria: ACMG Guidelines, 2015. Collection method: clinical testing. Allele origin: germline.
Comment: This variant is classified as likely benign based on ACMG/AMP sequence variant interpretation guidelines (Richards et al. 2015 PMID: 25741868, with internal and published modifications).

NM_016121.5(KCTD3):c.798G>A (p.Gly266=)

Gene: KCTD3 (potassium channel tetramerization domain containing 3; plus strand). Cytogenetic location: 1q41.
Variant type: single nucleotide variant.
Coding change: c.798G>A on transcript NM_016121.5 (MANE Select); coding-DNA position 798, G replaced by A.
Protein change: p.Gly266=; no amino-acid change (glycine 266 retained).
Molecular consequence: synonymous variant.
Genome position (GRCh38, 1-based): chr1:215,586,666, G>A. VCF-style: chr1-215586666-G-A. GRCh37 (hg19) VCF-style: chr1-215760009-G-A.
Other names: c.798G>A, p.Gly266= (NM_001319294.2); c.492G>A, p.Gly164= (NM_001319295.2).
Identifiers: ClinVar variation 4980838 (VCV004980838.1).